The following is an entry in ClinVar:

NM_004168.4(SDHA):c.1685T>C (p.Leu562Pro)

Gene: SDHA (succinate dehydrogenase complex flavoprotein subunit A; plus strand). Cytogenetic location: 5p15.33.
Variant type: single nucleotide variant.
Coding change: c.1685T>C on transcript NM_004168.4 (MANE Select); coding-DNA position 1685, T replaced by C.
Protein change: p.Leu562Pro; replaces leucine 562 with proline.
Molecular consequence: missense variant. On other transcripts: intron variant (1).
Genome position (GRCh38, 1-based): chr5:251,359, T>C. VCF-style: chr5-251359-T-C. GRCh37 (hg19) VCF-style: chr5-251474-T-C.
Other names: c.1541T>C, p.Leu514Pro (NM_001294332.2); c.1552-3034T>C (NM_001330758.2); short protein forms L514P, L562P.
Identifiers: ClinVar variation 952098 (VCV000952098.10), dbSNP rs1736814018, ClinGen allele CA358999934.

ClinVar aggregate classification (germline): Uncertain significance (1 of 4 stars; one submission).

Conditions:
Mitochondrial complex II deficiency, nuclear type 1. Also called: SUCCINATE CoQ REDUCTASE DEFICIENCY. Identifiers: Orphanet 3208, MedGen C5700310, MONDO:0100294, OMIM 252011.
Pheochromocytoma/paraganglioma syndrome 5. Also called: Paragangliomas 5; SDHA-Related Hereditary Paraganglioma-Pheochromocytoma Syndrome. Identifiers: Orphanet 29072, MedGen C3279992, MONDO:0013602, OMIM 614165.

Submission:

Labcorp Genetics (formerly Invitae), Labcorp
Classification: Uncertain significance for Pheochromocytoma/paraganglioma syndrome 5; Mitochondrial complex II deficiency, nuclear type 1. Last evaluated: 2020-04-24. Review status: criteria provided, single submitter. Criteria: Invitae Variant Classification Sherloc (09022015). Collection method: clinical testing. Allele origin: germline.
Comment: This sequence change replaces leucine with proline at codon 562 of the SDHA protein (p.Leu562Pro). The leucine residue is highly conserved and there is a moderate physicochemical difference between leucine and proline. This variant is not present in population databases (ExAC no frequency). This variant has not been reported in the literature in individuals with SDHA-related conditions. Algorithms developed to predict the effect of missense changes on protein structure and function (SIFT, PolyPhen-2, Align-GVGD) all suggest that this variant is likely to be disruptive, but these predictions have not been confirmed by published functional studies and their clinical significance is uncertain. In summary, the available evidence is currently insufficient to determine the role of this variant in disease. Therefore, it has been classified as a Variant of Uncertain Significance.